The following is an entry in ClinVar:

NM_001329943.3(KIAA0586):c.2729C>T (p.Pro910Leu)

Gene: KIAA0586 (KIAA0586; plus strand). Cytogenetic location: 14q23.1.
Variant type: single nucleotide variant.
Coding change: c.2729C>T on transcript NM_001329943.3 (MANE Select); coding-DNA position 2729, C replaced by T.
Protein change: p.Pro910Leu; replaces proline 910 with leucine.
Molecular consequence: missense variant.
Genome position (GRCh38, 1-based): chr14:58,474,701, C>T. VCF-style: chr14-58474701-C-T. GRCh37 (hg19) VCF-style: chr14-58941419-C-T.
Other names: c.2888C>T, p.Pro963Leu (NM_001244189.2); c.2684C>T, p.Pro895Leu (NM_001244190.2); c.2474C>T, p.Pro825Leu (NM_001244191.2, NM_001329945.2, NM_001364700.1 and 1 more transcripts); c.2597C>T, p.Pro866Leu (NM_001244192.2); c.2309C>T, p.Pro770Leu (NM_001244193.2); c.2729C>T, p.Pro910Leu (NM_001329944.2, NM_001329946.2, NM_001329947.2); c.2501C>T, p.Pro834Leu (NM_014749.5); short protein forms P834L, P895L, P963L, P910L, P770L, P825L, P866L.
Identifiers: ClinVar variation 2101463 (VCV002101463.4), dbSNP rs2041473881, ClinGen allele CA389877910.

ClinVar aggregate classification (germline): Uncertain significance (1 of 4 stars; one submission).

Conditions:
Joubert syndrome 23 (JBTS23). Identifiers: Orphanet 475, MedGen C4084822, MONDO:0014664, OMIM 616490.
Short-rib thoracic dysplasia 14 with polydactyly (SRTD14). Identifiers: Orphanet 397715, MedGen C4225286, MONDO:0014688, OMIM 616546.

Submission:

Labcorp Genetics (formerly Invitae), Labcorp
Classification: Uncertain significance for Joubert syndrome 23; Short-rib thoracic dysplasia 14 with polydactyly. Last evaluated: 2022-02-22. Review status: criteria provided, single submitter. Criteria: Invitae Variant Classification Sherloc (09022015). Collection method: clinical testing. Allele origin: germline.
Comment: Algorithms developed to predict the effect of missense changes on protein structure and function are either unavailable or do not agree on the potential impact of this missense change (SIFT: "Deleterious"; PolyPhen-2: "Probably Damaging"; Align-GVGD: "Class C15"). This sequence change replaces proline, which is neutral and non-polar, with leucine, which is neutral and non-polar, at codon 963 of the KIAA0586 protein (p.Pro963Leu). This variant is not present in population databases (gnomAD no frequency). This variant has not been reported in the literature in individuals affected with KIAA0586-related conditions. In summary, the available evidence is currently insufficient to determine the role of this variant in disease. Therefore, it has been classified as a Variant of Uncertain Significance.